The following is an entry in ClinVar:

ClinVar aggregate classification (germline): Uncertain significance (1 of 4 stars; one submission).

Conditions:
Dilated cardiomyopathy 1G (CMD1G). Identifiers: Orphanet 154, MedGen C1858763, MONDO:0011400, OMIM 604145.
Autosomal recessive limb-girdle muscular dystrophy type 2J (LGMDR10). Also called: Limb-girdle muscular dystrophy, type 2J; MUSCULAR DYSTROPHY, LIMB-GIRDLE, AUTOSOMAL RECESSIVE 10. Identifiers: Orphanet 140922, MedGen C1837342, MONDO:0012127, OMIM 608807.

Allele frequency attached by ClinVar (database versions not stated): gnomAD 0.00001; TOPMed 0.00001.
gnomAD v4.1: 4 of 1,613,856 alleles (0.00025%); highest among the groups gnomAD compares: African/African-American, 0.0013%; no homozygotes.

Submission:

Labcorp Genetics (formerly Invitae), Labcorp
Classification: Uncertain significance for Dilated cardiomyopathy 1G; Autosomal recessive limb-girdle muscular dystrophy type 2J. Last evaluated: 2024-10-29. Review status: criteria provided, single submitter. Criteria: Invitae Variant Classification Sherloc (09022015). Collection method: clinical testing. Allele origin: germline.
Comment: This sequence change replaces glutamic acid, which is acidic and polar, with glycine, which is neutral and non-polar, at codon 34149 of the TTN protein (p.Glu34149Gly). This variant is not present in population databases (gnomAD no frequency). This variant has not been reported in the literature in individuals affected with TTN-related conditions. ClinVar contains an entry for this variant (Variation ID: 1011005). Experimental studies and prediction algorithms are not available or were not evaluated, and the functional significance of this variant is currently unknown. This variant is located in the M band of TTN (PMID: 25589632). Non-truncating variants in this region may be relevant for neuromuscular disorders, but have not been definitively shown to cause cardiomyopathy (PMID: 23975875). In summary, the available evidence is currently insufficient to determine the role of this variant in disease. Therefore, it has been classified as a Variant of Uncertain Significance.

Literature cited by the submitters: PubMed 25589632; PubMed 23975875.

NM_001267550.2(TTN):c.102446A>G (p.Glu34149Gly)

Genes: TTN-AS1 (TTN antisense RNA 1; plus strand), TTN (titin; minus strand). Cytogenetic location: 2q31.2.
Variant type: single nucleotide variant.
Coding change: c.102446A>G on transcript NM_001267550.2 (MANE Select); coding-DNA position 102446, A replaced by G.
Protein change: p.Glu34149Gly; replaces glutamic acid 34149 with glycine.
Molecular consequence: missense variant.
Genome position (GRCh38, 1-based): chr2:178,534,169, T>C on the plus strand (A>G on the coding strand, the complement: TTN is on the minus strand). VCF-style: chr2-178534169-T-C. GRCh37 (hg19) VCF-style: chr2-179398896-T-C.
Other names: c.97523A>G, p.Glu32508Gly (NM_001256850.1); c.75251A>G, p.Glu25084Gly (NM_003319.4); c.94742A>G, p.Glu31581Gly (NM_133378.4); c.75626A>G, p.Glu25209Gly (NM_133432.3); c.75827A>G, p.Glu25276Gly (NM_133437.4); short protein forms E25084G, E25209G, E25276G, E31581G, E32508G, E34149G.
Identifiers: ClinVar variation 1011005 (VCV001011005.7), dbSNP rs1165341799, ClinGen allele CA349417522.